The following is an entry in ClinVar:

NM_006289.4(TLN1):c.5146C>G (p.Leu1716Val)

Gene: TLN1 (talin 1; minus strand). Cytogenetic location: 9p13.3.
Variant type: single nucleotide variant.
Coding change: c.5146C>G on transcript NM_006289.4 (MANE Select); coding-DNA position 5146, C replaced by G.
Protein change: p.Leu1716Val; replaces leucine 1716 with valine.
Molecular consequence: missense variant.
Genome position (GRCh38, 1-based): chr9:35,706,494, G>C on the plus strand (C>G on the coding strand, the complement: TLN1 is on the minus strand). VCF-style: chr9-35706494-G-C. GRCh37 (hg19) VCF-style: chr9-35706491-G-C.
Other names: short protein forms L1716V.
Identifiers: ClinVar variation 3053772 (VCV003053772.2), dbSNP rs780106905, ClinGen allele CA5048147.

ClinVar aggregate classification (germline): Likely benign (0 of 4 stars; one submission).

Conditions:
TLN1-related disorder. Also called: TLN1-related condition.

Allele frequency attached by ClinVar (database versions not stated): gnomAD 0.00002; TOPMed 0.00006.
gnomAD v4.1: 72 of 1,614,044 alleles (0.0045%); highest among the groups gnomAD compares: Admixed American, 0.12%; 1 homozygote.

Submission:

PreventionGenetics, part of Exact Sciences
Classification: Likely benign for TLN1-related condition. Last evaluated: 2023-05-22. Review status: no assertion criteria provided. Collection method: clinical testing. Allele origin: germline.
Comment: This variant is classified as likely benign based on ACMG/AMP sequence variant interpretation guidelines (Richards et al. 2015 PMID: 25741868, with internal and published modifications).